The following is an entry in ClinVar:

NM_005850.5(SF3B4):c.144A>G (p.Arg48=)

Gene: SF3B4 (splicing factor 3b subunit 4; minus strand). Cytogenetic location: 1q21.2.
Variant type: single nucleotide variant.
Coding change: c.144A>G on transcript NM_005850.5 (MANE Select); coding-DNA position 144, A replaced by G.
Protein change: p.Arg48=; no amino-acid change (arginine 48 retained).
Molecular consequence: synonymous variant.
Genome position (GRCh38, 1-based): chr1:149,927,185, T>C on the plus strand (A>G on the coding strand, the complement: SF3B4 is on the minus strand). VCF-style: chr1-149927185-T-C. GRCh37 (hg19) VCF-style: chr1-149899077-T-C.
Other names: c.144A>G (NM_005850.4).
Identifiers: ClinVar variation 3713330 (VCV003713330.4).

ClinVar aggregate classification (germline): Likely benign. Review status: criteria provided, multiple submitters, no conflicts (2 of 4 stars). 3 submissions from 3 submitters: Likely benign (3). Last evaluated 2026-07-16.

Conditions:
SF3B4-related disorder. Also called: SF3B4-related condition.

Submissions (3):

PreventionGenetics, part of Exact Sciences
Classification: Likely benign for SF3B4-related condition. Last evaluated: 2026-07-16. Review status: criteria provided, single submitter. Criteria: ACMG Guidelines, 2015. Collection method: clinical testing. Allele origin: germline.
Comment: This variant is classified as likely benign based on ACMG/AMP sequence variant interpretation guidelines (Richards et al. 2015 PMID: 25741868, with internal and published modifications).

Blueprint Genetics
Classification: Likely benign. Last evaluated: 2024-06-07. Review status: criteria provided, single submitter. Criteria: ACMG Guidelines, 2015. Collection method: clinical testing. Allele origin: germline.

Labcorp Genetics (formerly Invitae), Labcorp
Classification: Likely benign. Last evaluated: 2024-03-14. Review status: criteria provided, single submitter. Criteria: Invitae Variant Classification Sherloc (09022015). Collection method: clinical testing. Allele origin: germline.